The following is an entry in ClinVar:

ClinVar aggregate classification (germline): Uncertain significance (1 of 4 stars; one submission).

Conditions:
Hypertrophic cardiomyopathy. Also called: HYPERTROPHIC MYOCARDIOPATHY. Identifiers: Orphanet 217569, MedGen C0007194, MeSH D002312, MONDO:0005045, HP:0001639.

Submission:

Labcorp Genetics (formerly Invitae), Labcorp
Classification: Uncertain significance for Hypertrophic cardiomyopathy. Last evaluated: 2019-05-16. Review status: criteria provided, single submitter. Criteria: Invitae Variant Classification Sherloc (09022015). Collection method: clinical testing. Allele origin: germline.
Comment: In summary, the available evidence is currently insufficient to determine the role of this variant in disease. Therefore, it has been classified as a Variant of Uncertain Significance. The current clinical and genetic evidence is not sufficient to establish whether loss-of-function variants in MYH7 cause disease. This variant has not been reported in the literature in individuals with MYH7-related conditions. This variant is not present in population databases (ExAC no frequency). This sequence change creates a premature translational stop signal (p.Glu1914*) in the MYH7 gene. It is expected to result in an absent or disrupted protein product.

NM_000257.4(MYH7):c.5740G>T (p.Glu1914Ter)

Gene: MYH7 (myosin heavy chain 7; minus strand). Cytogenetic location: 14q11.2.
Variant type: single nucleotide variant.
Coding change: c.5740G>T on transcript NM_000257.4 (MANE Select); coding-DNA position 5740, G replaced by T.
Protein change: p.Glu1914Ter; replaces glutamic acid 1914 with a stop codon.
Molecular consequence: nonsense.
Genome position (GRCh38, 1-based): chr14:23,413,809, C>A on the plus strand (G>T on the coding strand, the complement: MYH7 is on the minus strand). VCF-style: chr14-23413809-C-A. GRCh37 (hg19) VCF-style: chr14-23883018-C-A.
Other names: short protein forms E1914*.
Identifiers: ClinVar variation 939079 (VCV000939079.7), dbSNP rs397516254, ClinGen allele CA389034576.